The following is an entry in ClinVar:

NM_024312.5(GNPTAB):c.3569del (p.Asn1190fs)

Gene: GNPTAB (N-acetylglucosamine-1-phosphate transferase subunits alpha and beta; minus strand). Cytogenetic location: 12q23.2.
Variant type: Deletion.
Coding change: c.3569del on transcript NM_024312.5 (MANE Select); coding-DNA position 3569, one base deleted (A; older notation c.3569delA).
Protein change: p.Asn1190fs; shifts the reading frame from asparagine 1190.
Molecular consequence: frameshift variant.
Genome position (GRCh38, 1-based): chr12:101,753,405, T deleted on the plus strand (A on the coding strand, the reverse complement: GNPTAB is on the minus strand); the first of 3 consecutive T bases (chr12:101,753,405-101,753,407); deleting any one gives the same sequence. VCF-style (leftmost placement, unchanged base first): chr12-101753404-GT-G. GRCh37 (hg19) VCF-style: chr12-102147182-GT-G.
Other names: short protein forms N1190fs.
Identifiers: ClinVar variation 2948524 (VCV002948524.3), dbSNP rs281865039, ClinGen allele CA2740092543.

ClinVar aggregate classification (germline): Pathogenic (1 of 4 stars; one submission).

Conditions:
Mucolipidosis type II. Also called: ML II ALPHA/BETA; Mucolipidosis 2; ML 2; Inclusion cell disease; Leroy Disease; N-acetylglucosamine 1phosphotransferase deficiency. Identifiers: Orphanet 576, MedGen C2673377, MONDO:0009650, OMIM 252500.
Pseudo-Hurler polydystrophy. Also called: ML III; ML III ALPHA/BETA; Type III Mucolipidosis; ML IIIA; Mucolipidosis III Alpha/Beta; MUCOLIPIDOSIS IIIA. Identifiers: Orphanet 423461, Orphanet 577, MedGen C0033788, MONDO:0018931, OMIM 252600.

Submission:

Labcorp Genetics (formerly Invitae), Labcorp
Classification: Pathogenic for Pseudo-Hurler polydystrophy; Mucolipidosis type II. Last evaluated: 2023-06-07. Review status: criteria provided, single submitter. Criteria: Invitae Variant Classification Sherloc (09022015). Collection method: clinical testing. Allele origin: germline.
Comment: For these reasons, this variant has been classified as Pathogenic. This variant has not been reported in the literature in individuals affected with GNPTAB-related conditions. This variant is not present in population databases (gnomAD no frequency). This sequence change creates a premature translational stop signal (p.Asn1190Thrfs*19) in the GNPTAB gene. It is expected to result in an absent or disrupted protein product. Loss-of-function variants in GNPTAB are known to be pathogenic (PMID: 19617216, 25107912).

Literature cited by the submitters: PubMed 19617216; PubMed 25107912.